The following is an entry in ClinVar:

ClinVar aggregate classification (germline): Benign/Likely benign. Review status: criteria provided, multiple submitters, no conflicts (2 of 4 stars). 6 submissions from 6 submitters: Benign (1); Likely benign (3). 2 of the submissions do not count toward it. Last evaluated 2026-01-25.

Conditions:
Arrhythmogenic cardiomyopathy with wooly hair and keratoderma. Also called: Dilated cardiomyopathy with woolly hair and keratoderma; Arrhythmogenic cardiomyopathy with woolly hair and keratoderma; Carvajal syndrome; PALMOPLANTAR KERATODERMA WITH LEFT VENTRICULAR CARDIOMYOPATHY AND WOOLLY HAIR. Identifiers: Orphanet 65282, MedGen C1854063, MONDO:0011581, OMIM 605676.
Arrhythmogenic right ventricular dysplasia 8 (ARVD8). Also called: Arrhythmogenic Right Ventricular Dysplasia/Cardiomyopathy 8; ARRHYTHMOGENIC RIGHT VENTRICULAR CARDIOMYOPATHY 8; ARRHYTHMOGENIC RIGHT VENTRICULAR DYSPLASIA, FAMILIAL, 8. Identifiers: MedGen C1843896, MONDO:0011831, OMIM 607450.

Allele frequency attached by ClinVar (database versions not stated): gnomAD 0.00005 and 0.00006; TOPMed 0.00006; gnomAD exomes 0.00010 and 0.00015; ExAC 0.00023.
gnomAD v4.1: 150 of 1,566,144 alleles (0.0096%); highest among the groups gnomAD compares: Non-Finnish European, 0.013%; no homozygotes.

Submissions (6):

Labcorp Genetics (formerly Invitae), Labcorp
Classification: Likely benign for Arrhythmogenic cardiomyopathy with wooly hair and keratoderma; Arrhythmogenic right ventricular dysplasia 8. Last evaluated: 2026-01-25. Review status: criteria provided, single submitter. Criteria: Invitae Variant Classification Sherloc (09022015). Collection method: clinical testing. Allele origin: germline.

Blueprint Genetics
Classification: Likely benign. Last evaluated: 2023-01-27. Review status: criteria provided, single submitter. Criteria: ACMG Guidelines, 2015. Collection method: clinical testing. Allele origin: germline.

Women's Health and Genetics/Laboratory Corporation of America, LabCorp
Classification: Benign. Last evaluated: 2020-11-09. Review status: criteria provided, single submitter. Criteria: LabCorp Variant Classification Summary - May 2015. Collection method: clinical testing. Allele origin: germline.
Comment: Variant summary: DSP c.2437-20T>G alters a non-conserved nucleotide located close to a canonical splice site and therefore could affect mRNA splicing, leading to a significantly altered protein sequence. 4/4 computational tools predict no significant impact on normal splicing. However, these predictions have yet to be confirmed by functional studies. The variant allele was found at a frequency of 0.00015 in 79348 control chromosomes, predominantly at a frequency of 0.00034 within the Non-Finnish European subpopulation in the gnomAD database. The observed variant frequency within Non-Finnish European control individuals in the gnomAD database is approximately 1.7 fold of the estimated maximal expected allele frequency for a pathogenic variant in DSP causing Arrhythmogenic Right Ventricular Dysplasia/Cardiomyopathy phenotype (0.0002), suggesting that the variant is a benign polymorphism found primarily in populations of Non-Finnish European origin. To our knowledge, no occurrence of c.2437-20T>G in individuals affected with Arrhythmogenic Right Ventricular Dysplasia/Cardiomyopathy and no experimental evidence demonstrating its impact on protein function have been reported. One clinical diagnostic laboratory has submitted clinical-significance assessments for this variant to ClinVar after 2014 without evidence for independent evaluation, and classified the variant as likely benign. Based on the evidence outlined above, the variant was classified as benign.

GeneDx
Classification: Likely benign. Last evaluated: 2017-01-24. Review status: criteria provided, single submitter. Criteria: GeneDx Variant Classification (06012015). Collection method: clinical testing. Allele origin: germline. Affected: yes.
Comment: This variant is considered likely benign or benign based on one or more of the following criteria: it is a conservative change, it occurs at a poorly conserved position in the protein, it is predicted to be benign by multiple in silico algorithms, and/or has population frequency not consistent with disease.

Genome Diagnostics Laboratory, University Medical Center Utrecht
Classification: Likely benign. Review status: no assertion criteria provided. Collection method: clinical testing. Allele origin: germline. Affected: yes. Study: VKGL Data-share Consensus. Not counted in ClinVar's aggregate classification.

Joint Genome Diagnostic Labs from Nijmegen and Maastricht, Radboudumc and MUMC+
Classification: Likely benign. Review status: no assertion criteria provided. Collection method: clinical testing. Allele origin: germline. Affected: yes. Study: VKGL Data-share Consensus. Not counted in ClinVar's aggregate classification.

NM_004415.4(DSP):c.2437-20T>G

Gene: DSP (desmoplakin; plus strand). Cytogenetic location: 6p24.3.
Variant type: single nucleotide variant.
Coding change: c.2437-20T>G on transcript NM_004415.4 (MANE Select); 20 bases into the intron before coding-DNA position 2437, T replaced by G.
Molecular consequence: intron variant.
Genome position (GRCh38, 1-based): chr6:7,575,275, T>G. VCF-style: chr6-7575275-T-G. GRCh37 (hg19) VCF-style: chr6-7575508-T-G.
Other names: c.2437-20T>G (NM_001319034.2, NM_001008844.3, LRG_423t1).
Identifiers: ClinVar variation 507025 (VCV000507025.14), dbSNP rs778134276, ClinGen allele CA033405.